The following is an entry in ClinVar:

NM_170707.4(LMNA):c.908C>T (p.Ser303Phe)

Gene: LMNA (lamin A/C; plus strand). Cytogenetic location: 1q22.
Variant type: single nucleotide variant.
Coding change: c.908C>T on transcript NM_170707.4 (MANE Select); coding-DNA position 908, C replaced by T.
Protein change: p.Ser303Phe; replaces serine 303 with phenylalanine.
Molecular consequence: missense variant. On other transcripts: synonymous variant (4).
Genome position (GRCh38, 1-based): chr1:156,135,284, C>T. VCF-style: chr1-156135284-C-T. GRCh37 (hg19) VCF-style: chr1-156105075-C-T.
Other names: c.572C>T, p.Ser191Phe (NM_001257374.3, NM_001406989.1, NM_001406998.1); c.665C>T, p.Ser222Phe (NM_001282624.2, NM_001406986.1, NM_001406987.1); c.908C>T, p.Ser303Phe (NM_001282625.2, NM_001282626.2, NM_001406983.1 and 6 more transcripts); c.611C>T, p.Ser204Phe (NM_001406988.1); c.350C>T, p.Ser117Phe (NM_001406990.1, NM_001406993.1, NM_001406995.1 and 4 more transcripts); c.244C>T, p.Leu82= (NM_001406994.1, NM_001406999.1, NM_001407000.1 and 1 more transcripts); short protein forms S117F, S191F, S204F, S222F, S303F.
Identifiers: ClinVar variation 3072809 (VCV003072809.1), dbSNP rs1369381913, ClinGen allele CA342817869.
Genomic context (GRCh38, chr1:156,135,284, plus strand): 5'-ACCTGGTGGGGGCTGCCCACGAGGAGCTGCAGCAGTCGCGCATCCGCATCGACAGCCTCT[C>T]TGCCCAGCTCAGCCAGCTCCAGAAGCAGGTGATACCCCACCTCACCCCTCTCTCCAGGGG-3'
Protein context (NP_733821.1, residues 293-313): QQSRIRIDSL[Ser303Phe]AQLSQLQKQL

ClinVar aggregate classification (germline): Uncertain significance (1 of 4 stars; one submission).

Conditions:
Primary dilated cardiomyopathy (DCM). Also called: Dilated Cardiomyopathy. Identifiers: Orphanet 217604, MedGen C0007193, MeSH D002311, MONDO:0005021, HP:0001644. Inheritance: Various modes of inheritance.

Allele frequency attached by ClinVar (database versions not stated): gnomAD exomes below 0.00001.
gnomAD v4.1: 1 of 1,613,490 alleles (0.000062%); highest among the groups gnomAD compares: Non-Finnish European, 0.000085%; no homozygotes.

Submission:

All of Us Research Program, National Institutes of Health
Classification: Uncertain significance for Primary dilated cardiomyopathy. Last evaluated: 2023-08-15. Review status: criteria provided, single submitter. Criteria: ACMG Guidelines, 2015. Collection method: clinical testing. Allele origin: germline. Inheritance: Autosomal dominant inheritance. Observed: 1 variant allele, 1 heterozygote.
Comment: This study involves interpretation of variants in research participants for the purpose of population health screening. Participant phenotype was not available at the time of variant classification. Additional details can be found in publication PMID: 35346344, PMCID: PMC8962531